The following is an entry in ClinVar:

NM_000179.3(MSH6):c.2268_2274del (p.Gly756_Thr757insTer)

Gene: MSH6 (mutS homolog 6; plus strand). Cytogenetic location: 2p16.3.
Variant type: Deletion.
Coding change: c.2268_2274del on transcript NM_000179.3 (MANE Select); coding-DNA positions 2268 to 2274, 7 bases deleted (AACCCTA; older notation c.2268_2274delAACCCTA).
Protein change: p.Gly756_Thr757insTer.
Molecular consequence: frameshift variant. On other transcripts: non-coding transcript variant (5), intron variant (2).
Genome position (GRCh38, 1-based): chr2:47,800,251-47,800,257, AACCCTA deleted. VCF-style (leftmost placement, unchanged base first): chr2-47800250-GAACCCTA-G. GRCh37 (hg19) VCF-style: chr2-48027389-GAACCCTA-G.
Other names: c.1878_1884del, p.Gly626_Thr627insTer (NM_001281492.2); c.1362_1368del, p.Gly454_Thr455insTer (NM_001281493.2, NM_001281494.2, NM_001406811.1 and 6 more transcripts); c.2364_2370del, p.Gly788_Thr789insTer (NM_001406795.1, NM_001406802.1); c.2268_2274del, p.Gly756_Thr757insTer (NM_001406796.1, NM_001406798.1, NM_001406800.1 and 3 more transcripts); c.1971_1977del, p.Gly657_Thr658insTer (NM_001406797.1, NM_001406801.1, NM_001406805.1 and 10 more transcripts); c.1743_1749del, p.Gly581_Thr582insTer (NM_001406799.1, NM_001406806.1, NM_001406807.1); c.2190_2196del, p.Gly730_Thr731insTer (NM_001406804.1); c.2274_2280del, p.Gly758_Thr759insTer (NM_001406813.1); and 3 more.
Identifiers: ClinVar variation 2742103 (VCV002742103.3), dbSNP rs2530661585, ClinGen allele CA2697548119.

ClinVar aggregate classification (germline): Pathogenic (1 of 4 stars; one submission).

Conditions:
Hereditary nonpolyposis colorectal neoplasms. Identifiers: MedGen C0009405, MeSH D003123.

Submission:

Labcorp Genetics (formerly Invitae), Labcorp
Classification: Pathogenic for Hereditary nonpolyposis colorectal neoplasms. Last evaluated: 2023-07-12. Review status: criteria provided, single submitter. Criteria: Invitae Variant Classification Sherloc (09022015). Collection method: clinical testing. Allele origin: germline.
Comment: For these reasons, this variant has been classified as Pathogenic. This variant has not been reported in the literature in individuals affected with MSH6-related conditions. This variant is not present in population databases (gnomAD no frequency). This sequence change creates a premature translational stop signal (p.Thr757*) in the MSH6 gene. It is expected to result in an absent or disrupted protein product. Loss-of-function variants in MSH6 are known to be pathogenic (PMID: 18269114, 24362816).

Literature cited by the submitters: PubMed 18269114; PubMed 24362816.